The following is an entry in ClinVar:

NM_014855.3(AP5Z1):c.1535C>T (p.Pro512Leu)

Gene: AP5Z1 (adaptor related protein complex 5 subunit zeta 1; plus strand). Cytogenetic location: 7p22.1.
Variant type: single nucleotide variant.
Coding change: c.1535C>T on transcript NM_014855.3 (MANE Select); coding-DNA position 1535, C replaced by T.
Protein change: p.Pro512Leu; replaces proline 512 with leucine.
Molecular consequence: missense variant. On other transcripts: non-coding transcript variant (1).
Genome position (GRCh38, 1-based): chr7:4,788,234, C>T. VCF-style: chr7-4788234-C-T. GRCh37 (hg19) VCF-style: chr7-4827865-C-T.
Other names: c.1067C>T, p.Pro356Leu (NM_001364858.1); short protein forms P512L, P356L.
Identifiers: ClinVar variation 3663749 (VCV003663749.2).

ClinVar aggregate classification (germline): Uncertain significance (1 of 4 stars; one submission).

Conditions:
Hereditary spastic paraplegia 48. Also called: Spastic paraplegia 48; SPASTIC PARAPLEGIA 48, AUTOSOMAL RECESSIVE. Identifiers: Orphanet 306511, MedGen C3150901, MONDO:0013342, OMIM 613647.

gnomAD v4.1: 16 of 1,578,566 alleles (0.001%); highest among the groups gnomAD compares: South Asian, 0.0023%; no homozygotes.

Submission:

Labcorp Genetics (formerly Invitae), Labcorp
Classification: Uncertain significance for Hereditary spastic paraplegia 48. Last evaluated: 2024-10-17. Review status: criteria provided, single submitter. Criteria: Invitae Variant Classification Sherloc (09022015). Collection method: clinical testing. Allele origin: germline.
Comment: This sequence change replaces proline, which is neutral and non-polar, with leucine, which is neutral and non-polar, at codon 512 of the AP5Z1 protein (p.Pro512Leu). The frequency data for this variant in the population databases is considered unreliable, as metrics indicate poor data quality at this position in the gnomAD database. This variant has not been reported in the literature in individuals affected with AP5Z1-related conditions. An algorithm developed to predict the effect of missense changes on protein structure and function outputs the following: PolyPhen-2: "Benign". The leucine amino acid residue is found in multiple mammalian species, which suggests that this missense change does not adversely affect protein function. In summary, the available evidence is currently insufficient to determine the role of this variant in disease. Therefore, it has been classified as a Variant of Uncertain Significance.